The following is an entry in ClinVar:

ClinVar aggregate classification (germline): Conflicting classifications of pathogenicity. Review status: criteria provided, conflicting classifications (1 of 4 stars). 2 submissions from 2 submitters: Uncertain significance (1); Benign (1). Last evaluated 2021-05-21.

Conditions:
Deficiency of ribose-5-phosphate isomerase. Also called: Ribose-5-P isomerase deficiency. Identifiers: Orphanet 440706, MedGen C1291609, MONDO:0012073, OMIM 608611.

Allele frequency attached by ClinVar (database versions not stated): gnomAD 0.00001 and 0.00005; TOPMed 0.00003; 1000 Genomes Project 30x 0.00031; 1000 Genomes Project 0.00040.
gnomAD v4.1: 268 of 1,570,802 alleles (0.017%); highest among the groups gnomAD compares: East Asian, 0.58%; 2 homozygotes.

Submissions (2):

Labcorp Genetics (formerly Invitae), Labcorp
Classification: Uncertain significance. Last evaluated: 2021-05-21. Review status: criteria provided, single submitter. Criteria: Invitae Variant Classification Sherloc (09022015). Collection method: clinical testing. Allele origin: germline.
Comment: In summary, the available evidence is currently insufficient to determine the role of this variant in disease. Therefore, it has been classified as a Variant of Uncertain Significance. Algorithms developed to predict the effect of missense changes on protein structure and function are either unavailable or do not agree on the potential impact of this missense change (SIFT: "Deleterious"; PolyPhen-2: "Probably Damaging"; Align-GVGD: "Class C0"). This variant has not been reported in the literature in individuals with RPIA-related conditions. ClinVar contains an entry for this variant (Variation ID: 897554). This variant is present in population databases (rs559380161, ExAC 0.1%). This sequence change replaces glutamine with arginine at codon 2 of the RPIA protein (p.Gln2Arg). The glutamine residue is weakly conserved and there is a small physicochemical difference between glutamine and arginine.

Illumina Laboratory Services, Illumina
Classification: Benign for Deficiency of ribose-5-phosphate isomerase. Last evaluated: 2017-04-27. Review status: criteria provided, single submitter. Criteria: ICSL Variant Classification Criteria 13 December 2019. Collection method: clinical testing. Allele origin: germline.
Comment: This variant was observed as part of a predisposition screen in an ostensibly healthy population. A literature search was performed for the gene, cDNA change, and amino acid change (where applicable). No publications were found based on this search. Allele frequency data from public databases was too high to be consistent with this variant causing disease. Therefore, this variant is classified as benign.

NM_144563.3(RPIA):c.5A>G (p.Gln2Arg)

Genes: RPIA (ribose 5-phosphate isomerase A; plus strand), LOC129934277 (ATAC-STARR-seq lymphoblastoid silent region 11733; plus strand). Cytogenetic location: 2p11.2.
Variant type: single nucleotide variant.
Coding change: c.5A>G on transcript NM_144563.3 (MANE Select); coding-DNA position 5, A replaced by G.
Protein change: p.Gln2Arg; replaces glutamine 2 with arginine.
Molecular consequence: missense variant.
Genome position (GRCh38, 1-based): chr2:88,691,703, A>G. VCF-style: chr2-88691703-A-G. GRCh37 (hg19) VCF-style: chr2-88991221-A-G.
Other names: short protein forms Q2R.
Identifiers: ClinVar variation 897554 (VCV000897554.11), dbSNP rs559380161, ClinGen allele CA1755044.